The following is an entry in ClinVar:

ClinVar aggregate classification (germline): Conflicting classifications of pathogenicity. Review status: criteria provided, conflicting classifications (1 of 4 stars). 3 submissions from 3 submitters: Uncertain significance (2); Likely benign (1). Last evaluated 2025-12-03.

Conditions:
Myofibrillar myopathy 5. Also called: FILAMINOPATHY, AUTOSOMAL DOMINANT; Filaminopathy (type). Identifiers: Orphanet 171445, MedGen C1836050, MONDO:0012289, OMIM 609524.
Distal myopathy with posterior leg and anterior hand involvement. Also called: WILLIAMS DISTAL MYOPATHY. Identifiers: Orphanet 63273, MedGen C3279722, MONDO:0013550, OMIM 614065.
Hypertrophic cardiomyopathy 26. Also called: Cardiomyopathy, familial hypertrophic, 26. Identifiers: Orphanet 75249, MedGen C4310749, MONDO:0014883, OMIM 617047.
Cardiovascular phenotype. Identifiers: MedGen CN230736.

gnomAD v4.1: 14 of 1,613,884 alleles (0.00087%); highest among the groups gnomAD compares: Admixed American, 0.023%; no homozygotes.

Submissions (3):

Labcorp Genetics (formerly Invitae), Labcorp
Classification: Likely benign for Distal myopathy with posterior leg and anterior hand involvement; Myofibrillar myopathy 5; Hypertrophic cardiomyopathy 26. Last evaluated: 2025-12-03. Review status: criteria provided, single submitter. Criteria: Invitae Variant Classification Sherloc (09022015). Collection method: clinical testing. Allele origin: germline.

Ambry Genetics
Classification: Uncertain significance for Cardiovascular phenotype. Last evaluated: 2023-11-03. Review status: criteria provided, single submitter. Criteria: Ambry Variant Classification Scheme 2023. Collection method: clinical testing. Allele origin: germline.
Comment: The p.N849I variant (also known as c.2546A>T), located in coding exon 16 of the FLNC gene, results from an A to T substitution at nucleotide position 2546. The asparagine at codon 849 is replaced by isoleucine, an amino acid with dissimilar properties. This amino acid position is conserved. In addition, the in silico prediction for this alteration is inconclusive. Since supporting evidence is limited at this time, the clinical significance of this alteration remains unclear.

Revvity Omics, Revvity
Classification: Uncertain significance. Last evaluated: 2022-11-29. Review status: criteria provided, single submitter. Criteria: ACMG Guidelines, 2015. Collection method: clinical testing. Allele origin: germline.

NM_001458.5(FLNC):c.2546A>T (p.Asn849Ile)

Gene: FLNC (filamin C; plus strand). Cytogenetic location: 7q32.1.
Variant type: single nucleotide variant.
Coding change: c.2546A>T on transcript NM_001458.5 (MANE Select); coding-DNA position 2546, A replaced by T.
Protein change: p.Asn849Ile; replaces asparagine 849 with isoleucine.
Molecular consequence: missense variant.
Genome position (GRCh38, 1-based): chr7:128,842,950, A>T. VCF-style: chr7-128842950-A-T. GRCh37 (hg19) VCF-style: chr7-128483004-A-T.
Other names: c.2546A>T, p.Asn849Ile (NM_001127487.2); short protein forms N849I.
Identifiers: ClinVar variation 860267 (VCV000860267.13), dbSNP rs755425307, ClinGen allele CA4474759.